The following is an entry in ClinVar:

NM_147127.5(EVC2):c.3252dup (p.Leu1085fs)

Gene: EVC2 (EvC ciliary complex subunit 2; minus strand). Cytogenetic location: 4p16.2.
Variant type: Duplication.
Coding change: c.3252dup on transcript NM_147127.5 (MANE Select); coding-DNA position 3252, one base duplicated (A; older notation c.3252dupA).
Protein change: p.Leu1085fs; shifts the reading frame from leucine 1085.
Molecular consequence: frameshift variant.
Genome position (GRCh38, 1-based): chr4:5,576,260, T duplicated on the plus strand (A on the coding strand, the reverse complement: EVC2 is on the minus strand). VCF-style (leftmost placement, unchanged base first): chr4-5576259-G-GT. GRCh37 (hg19) VCF-style: chr4-5577986-G-GT.
Other names: c.3012dup, p.Leu1005fs (NM_001166136.2); short protein forms L1005fs, L1085fs.
Identifiers: ClinVar variation 2937176 (VCV002937176.3), dbSNP rs771460962, ClinGen allele CA2834403.

ClinVar aggregate classification (germline): Pathogenic (1 of 4 stars; one submission).

Conditions:
Curry-Hall syndrome (WAD). Also called: WEYERS ACRODENTAL DYSOSTOSIS. Identifiers: Orphanet 952, MedGen C0457013, MONDO:0008673, OMIM 193530.
Ellis-van Creveld syndrome (EVC). Also called: EVC-Related Ellis-van Creveld Syndrome; EVC2-Related Ellis-van Creveld Syndrome; MESOECTODERMAL DYSPLASIA; Chondroectodermal dysplasia. Identifiers: Orphanet 289, MedGen C0013903, MONDO:0009162, OMIM 225500.

Allele frequency attached by ClinVar (database versions not stated): ExAC 0.00001.

Submission:

Labcorp Genetics (formerly Invitae), Labcorp
Classification: Pathogenic for Curry-Hall syndrome; Ellis-van Creveld syndrome. Last evaluated: 2023-01-20. Review status: criteria provided, single submitter. Criteria: Invitae Variant Classification Sherloc (09022015). Collection method: clinical testing. Allele origin: germline.
Comment: For these reasons, this variant has been classified as Pathogenic. This variant has not been reported in the literature in individuals affected with EVC2-related conditions. This variant is present in population databases (rs771460962, gnomAD 0.0009%). This sequence change creates a premature translational stop signal (p.Leu1085Thrfs*88) in the EVC2 gene. It is expected to result in an absent or disrupted protein product. Loss-of-function variants in EVC2 are known to be pathogenic (PMID: 17024374, 19810119, 19876929).

Literature cited by the submitters: PubMed 17024374; PubMed 19810119; PubMed 19876929.